The following is an entry in ClinVar:

NM_080680.3(COL11A2):c.3722A>G (p.Glu1241Gly)

Gene: COL11A2 (collagen type XI alpha 2 chain; minus strand). Cytogenetic location: 6p21.32.
Variant type: single nucleotide variant.
Coding change: c.3722A>G on transcript NM_080680.3 (MANE Select); coding-DNA position 3722, A replaced by G.
Protein change: p.Glu1241Gly; replaces glutamic acid 1241 with glycine.
Molecular consequence: missense variant.
Genome position (GRCh38, 1-based): chr6:33,169,459, T>C on the plus strand (A>G on the coding strand, the complement: COL11A2 is on the minus strand). VCF-style: chr6-33169459-T-C. GRCh37 (hg19) VCF-style: chr6-33137236-T-C.
Other names: c.3542A>G, p.Glu1181Gly (NM_001424108.1); c.2876A>G, p.Glu959Gly (NM_001424109.1); c.2696A>G, p.Glu899Gly (NM_001424110.1, NM_001424111.1); c.1676A>G, p.Glu559Gly (NM_001424112.1); c.3401A>G, p.Glu1134Gly (NM_080679.3); c.3464A>G, p.Glu1155Gly (NM_080681.3); short protein forms E1134G, E1155G, E1181G, E1241G, E559G, E899G, E959G.
Identifiers: ClinVar variation 4801310 (VCV004801310.1).

ClinVar aggregate classification (germline): Uncertain significance (1 of 4 stars; one submission).

gnomAD v4.1: 2 of 1,612,882 alleles (0.00012%); highest among the groups gnomAD compares: Non-Finnish European, 0.00017%; no homozygotes.

Submission:

Labcorp Genetics (formerly Invitae), Labcorp
Classification: Uncertain significance. Last evaluated: 2025-10-21. Review status: criteria provided, single submitter. Criteria: Invitae Variant Classification Sherloc (09022015). Collection method: clinical testing. Allele origin: germline.
Comment: This sequence change replaces glutamic acid, which is acidic and polar, with glycine, which is neutral and non-polar, at codon 1241 of the COL11A2 protein (p.Glu1241Gly). This variant is present in population databases (no rsID available, gnomAD 0.0009%). This variant has not been reported in the literature in individuals affected with COL11A2-related conditions. Invitae Evidence Modeling of protein sequence and biophysical properties (such as structural, functional, and spatial information, amino acid conservation, physicochemical variation, residue mobility, and thermodynamic stability) indicates that this missense variant is not expected to disrupt COL11A2 protein function with a negative predictive value of 95%. In summary, the available evidence is currently insufficient to determine the role of this variant in disease. Therefore, it has been classified as a Variant of Uncertain Significance.